The following is an entry in ClinVar:

Conditions:
Long QT syndrome 5 (LQT5). Identifiers: Orphanet 101016, Orphanet 768, MedGen C1867904, MONDO:0013372, OMIM 613695.

Submission:

Roden Lab, Vanderbilt University Medical Center
No classification provided (evidence only). Condition: Long QT syndrome 5. Review status: no classification provided. Collection method: in vitro. Allele origin: not applicable. Functional consequence: Effect on ion channel function.
ClinVar note: "not provided" was previously submitted as the classification for the variant. However, the classification appeared to be based only on an observation of functional data so it was converted to no classification on 2025-07-30.

NM_000219.6(KCNE1):c.343A>C (p.Ile115Leu)

Gene: KCNE1 (potassium voltage-gated channel subfamily E regulatory subunit 1; minus strand). Cytogenetic location: 21q22.12.
Variant type: single nucleotide variant.
Coding change: c.343A>C on transcript NM_000219.6 (MANE Select); coding-DNA position 343, A replaced by C.
Protein change: p.Ile115Leu; replaces isoleucine 115 with leucine.
Molecular consequence: missense variant.
Genome position (GRCh38, 1-based): chr21:34,449,292, T>G on the plus strand (A>C on the coding strand, the complement: KCNE1 is on the minus strand). VCF-style: chr21-34449292-T-G. GRCh37 (hg19) VCF-style: chr21-35821590-T-G.
Other names: c.343A>C, p.Ile115Leu (NM_001127668.4, NM_001127669.4, NM_001127670.4 and 4 more transcripts); short protein forms I115L.
Identifiers: ClinVar variation 3373774 (VCV003373774.2).